The following is an entry in ClinVar:

NM_024685.4(BBS10):c.1333C>A (p.Leu445Ile)

Gene: BBS10 (Bardet-Biedl syndrome 10; minus strand). Cytogenetic location: 12q21.2.
Variant type: single nucleotide variant.
Coding change: c.1333C>A on transcript NM_024685.4 (MANE Select); coding-DNA position 1333, C replaced by A.
Protein change: p.Leu445Ile; replaces leucine 445 with isoleucine.
Molecular consequence: missense variant.
Genome position (GRCh38, 1-based): chr12:76,346,652, G>T on the plus strand (C>A on the coding strand, the complement: BBS10 is on the minus strand). VCF-style: chr12-76346652-G-T. GRCh37 (hg19) VCF-style: chr12-76740432-G-T.
Other names: c.1333C>A, p.Leu445Ile (LRG_1255t1); short protein forms L445I.
Identifiers: ClinVar variation 531826 (VCV000531826.19), dbSNP rs199878555, ClinGen allele CA6694190.

ClinVar aggregate classification (germline): Conflicting classifications of pathogenicity. Review status: criteria provided, conflicting classifications (1 of 4 stars). 4 submissions from 4 submitters: Uncertain significance (1); Likely benign (1). 2 of the submissions do not count toward it. Last evaluated 2025-12-29.

Conditions:
Bardet-Biedl syndrome 10 (BBS10). Identifiers: Orphanet 110, MedGen C1859568, MONDO:0014438, OMIM 615987.
BBS10-related disorder. Also called: BBS10-related condition.
Bardet-Biedl syndrome (BBS). Identifiers: Orphanet 110, MedGen C0752166, MONDO:0015229.

Allele frequency attached by ClinVar (database versions not stated): TOPMed 0.00006; ExAC 0.00008; gnomAD 0.00009; gnomAD exomes 0.00017.
gnomAD v4.1: 144 of 1,613,900 alleles (0.0089%); highest among the groups gnomAD compares: Admixed American, 0.0033%; no homozygotes.

Submissions (4):

Labcorp Genetics (formerly Invitae), Labcorp
Classification: Likely benign for Bardet-Biedl syndrome. Last evaluated: 2025-12-29. Review status: criteria provided, single submitter. Criteria: Invitae Variant Classification Sherloc (09022015). Collection method: clinical testing. Allele origin: germline.

Illumina Laboratory Services, Illumina
Classification: Uncertain significance for Bardet-Biedl syndrome 10. Last evaluated: 2017-04-28. Review status: criteria provided, single submitter. Criteria: ICSL Variant Classification Criteria 13 December 2019. Collection method: clinical testing. Allele origin: germline.
Comment: This variant was observed as part of a predisposition screen in an ostensibly healthy population. A literature search was performed for the gene, cDNA change, and amino acid change (where applicable). Publications were found based on this search. However, the evidence from the literature, in combination with allele frequency data from public databases where available, was not sufficient to rule this variant in or out of causing disease. Therefore, this variant is classified as a variant of unknown significance.

PreventionGenetics, part of Exact Sciences
Classification: Likely benign for BBS10-related condition. Last evaluated: 2022-09-08. Review status: no assertion criteria provided. Collection method: clinical testing. Allele origin: germline. Not counted in ClinVar's aggregate classification.
Comment: This variant is classified as likely benign based on ACMG/AMP sequence variant interpretation guidelines (Richards et al. 2015 PMID: 25741868, with internal and published modifications).

Natera, Inc.
Classification: Likely benign for Bardet-Biedl syndrome type 10. Last evaluated: 2020-01-13. Review status: no assertion criteria provided. Collection method: clinical testing. Allele origin: germline. Not counted in ClinVar's aggregate classification.

Literature cited by the submitters: PubMed 21642631 (cited by Illumina Laboratory Services, Illumina).